The following is an entry in ClinVar:

ClinVar aggregate classification (germline): Conflicting classifications of pathogenicity. Review status: criteria provided, conflicting classifications (1 of 4 stars). 7 submissions from 7 submitters: Pathogenic (3); Likely pathogenic (3); Uncertain significance (1). Last evaluated 2026-03-30.

Conditions:
Juvenile myelomonocytic leukemia (JMML). Also called: LEUKEMIA, JUVENILE MYELOMONOCYTIC, SOMATIC. Identifiers: Orphanet 86834, MedGen C0349639, MONDO:0011908, OMIM 607785, HP:0012209.
Hereditary cancer-predisposing syndrome. Also called: Neoplastic Syndromes, Hereditary; Tumor predisposition; Hereditary neoplastic syndrome; Hereditary Cancer Syndrome. Identifiers: Orphanet 140162, MedGen C0027672, MeSH D009386, MONDO:0015356.
Cardiovascular phenotype. Identifiers: MedGen CN230736.
Neurofibromatosis, type 1 (NF1). Also called: VON RECKLINGHAUSEN DISEASE; NEUROFIBROMATOSIS, TYPE I, SOMATIC; Peripheral type neurofibromatosis; Neurofibromatosis, type I. Identifiers: Orphanet 636, MedGen C0027831, MONDO:0018975, OMIM 162200. Disease mechanism: loss of function.

Submissions (7):

GeneDx
Classification: Pathogenic. Last evaluated: 2026-03-30. Review status: criteria provided, single submitter. Criteria: GeneDx Variant Classification Process June 2021. Collection method: clinical testing. Allele origin: germline.
Comment: Not observed at significant frequency in large population cohorts (gnomAD); In silico analysis supports that this missense variant has a deleterious effect on protein structure/function; This variant is associated with the following publications: (PMID: 21089070, 23244495, 16944272, 25074460, 16397625)

Labcorp Genetics (formerly Invitae), Labcorp
Classification: Pathogenic for Neurofibromatosis, type 1. Last evaluated: 2025-12-13. Review status: criteria provided, single submitter. Criteria: Invitae Variant Classification Sherloc (09022015). Collection method: clinical testing. Allele origin: germline.
Comment: This sequence change replaces leucine, which is neutral and non-polar, with proline, which is neutral and non-polar, at codon 1812 of the NF1 protein (p.Leu1812Pro). This variant is not present in population databases (gnomAD no frequency). This missense change has been observed in individual(s) with neurofibromatosis type I (PMID: 16944272; internal data). In at least one individual the variant was observed to be de novo. Invitae Evidence Modeling of clinical and family history, age, sex, and reported ancestry of multiple individuals with this NF1 variant has been performed. This variant is expected to be pathogenic with a positive predictive value of at least 99%. This is a validated machine learning model that incorporates the clinical features of 1,785,918 individuals referred to our laboratory for NF1 testing. ClinVar contains an entry for this variant (Variation ID: 1066464). Invitae Evidence Modeling of protein sequence and biophysical properties (such as structural, functional, and spatial information, amino acid conservation, physicochemical variation, residue mobility, and thermodynamic stability) indicates that this missense variant is expected to disrupt NF1 protein function with a positive predictive value of 95%. For these reasons, this variant has been classified as Pathogenic.

Dasa
Classification: Likely pathogenic. Last evaluated: 2025-07-04. Review status: criteria provided, single submitter. Criteria: DASA Assertion Criteria. Collection method: clinical testing. Allele origin: germline.
Comment: NM_001042492.3(NF1):c.5498T>C (p.Leu1833Pro) is a missense variant that results in the substitution of leucine with proline. This variant has been recurrently observed in individuals with related phenotype (PMID: 23244495; PMID: 16944272; PMID: 21089070; PMID: 16397625; PMID: 25074460). Multiple computational predictions support a deleterious effect on the gene or gene product. The variant is present at low frequency in population datasets. Based on the available data, this variant is classified as likely pathogenic.

NHS Central & South Genomic Laboratory Hub
Classification: Pathogenic for Neurofibromatosis type 1. Last evaluated: 2025-04-09. Review status: criteria provided, single submitter. Criteria: ACMG Guidelines, 2015. Collection method: clinical testing. Allele origin: germline. Affected: yes.

Ambry Genetics
Classification: Likely pathogenic for Cardiovascular phenotype; Hereditary cancer-predisposing syndrome. Last evaluated: 2024-11-13. Review status: criteria provided, single submitter. Criteria: Ambry Variant Classification Scheme 2023. Collection method: clinical testing. Allele origin: germline.
Comment: The p.L1812P variant (also known as c.5435T>C), located in coding exon 37 of the NF1 gene, results from a T to C substitution at nucleotide position 5435. The leucine at codon 1812 is replaced by proline, an amino acid with similar properties. This variant has been detected in individuals with a clinical diagnosis of neurofibromatosis type 1 (NF1) (Griffiths S et al. Fam. Cancer, 2007;6:21-34; Pasmant E et al. Eur. J. Hum. Genet., 2015 May;23:596-601; Ambry internal data). This alteration is indicated to be structurally destabilizing (Ambry internal data; D'Angelo I et al. EMBO Rep., 2006 Feb;7:174-9). This amino acid position is highly conserved in available vertebrate species. In addition, this alteration is predicted to be deleterious by in silico analysis. This missense alteration is located in a region that has a low rate of benign missense variation (Lek M et al. Nature. 2016 Aug 18;536(7616):285-91; DECIPHER: Database of Chromosomal Imbalance and Phenotype in Humans using Ensembl Resources. Firth H.V. et al. 2009. Am.J.Hum.Genet. 84, 524-533 (DOI)). This variant is considered to be rare based on population cohorts in the Genome Aggregation Database (gnomAD). Based on the majority of available evidence to date, this variant is likely to be pathogenic.

Baylor Genetics
Classification: Likely pathogenic for Juvenile myelomonocytic leukemia. Last evaluated: 2024-03-09. Review status: criteria provided, single submitter. Criteria: ACMG Guidelines, 2015. Collection method: clinical testing. Allele origin: unknown.

CeGaT Center for Human Genetics Tuebingen
Classification: Uncertain significance. Last evaluated: 2021-06-01. Review status: criteria provided, single submitter. Criteria: CeGaT Center For Human Genetics Tuebingen Variant Classification Criteria Version 2. Collection method: clinical testing. Allele origin: germline. Affected: yes. Observed: 1 variant allele.

Literature cited by the submitters: PubMed 16944272 (cited by 3 submitters); PubMed 23244495 (cited by Dasa and Ambry Genetics); PubMed 21089070 (cited by Dasa and Ambry Genetics); PubMed 16397625 (cited by Dasa and Ambry Genetics); PubMed 25074460 (cited by Dasa and Ambry Genetics).

NM_001042492.3(NF1):c.5498T>C (p.Leu1833Pro)

Gene: NF1 (neurofibromin 1; plus strand). Cytogenetic location: 17q11.2.
Variant type: single nucleotide variant.
Coding change: c.5498T>C on transcript NM_001042492.3 (MANE Select); coding-DNA position 5498, T replaced by C.
Protein change: p.Leu1833Pro; replaces leucine 1833 with proline.
Molecular consequence: missense variant.
Genome position (GRCh38, 1-based): chr17:31,327,728, T>C. VCF-style: chr17-31327728-T-C. GRCh37 (hg19) VCF-style: chr17-29654746-T-C.
Other names: c.5435T>C, p.Leu1812Pro (NM_000267.4); short protein forms L1812P, L1833P.
Identifiers: ClinVar variation 1066464 (VCV001066464.47), dbSNP rs2151541565, ClinGen allele CA399009610.